The following is an entry in ClinVar:

ClinVar aggregate classification (germline): Uncertain significance. Review status: criteria provided, multiple submitters, no conflicts (2 of 4 stars). 5 submissions from 5 submitters: Uncertain significance (5). Last evaluated 2025-05-07.

Conditions:
Neutral lipid storage myopathy (NLSDM). Also called: NEUTRAL LIPID STORAGE DISEASE WITHOUT ICHTHYOSIS. Identifiers: Orphanet 98908, MedGen C1853136, MONDO:0012545, OMIM 610717.
Inborn genetic diseases. Identifiers: MedGen C0950123, MeSH D030342.

Allele frequency attached by ClinVar (database versions not stated): TOPMed 0.00005; ESP Exome Variant Server 0.00009; gnomAD exomes 0.00009.

Submissions (5):

Mayo Clinic Laboratories, Mayo Clinic
Classification: Uncertain significance. Last evaluated: 2025-05-07. Review status: criteria provided, single submitter. Criteria: ACMG Guidelines, 2015. Collection method: clinical testing. Allele origin: germline. Observed: 1 variant allele.
Comment: BP4_moderate, PM2_supporting

Revvity Omics, Revvity
Classification: Uncertain significance for Neutral lipid storage myopathy. Last evaluated: 2024-11-20. Review status: criteria provided, single submitter. Criteria: ACMG Guidelines, 2015. Collection method: clinical testing. Allele origin: germline.

Ambry Genetics
Classification: Uncertain significance for Inborn genetic diseases. Last evaluated: 2022-11-08. Review status: criteria provided, single submitter. Criteria: Ambry Variant Classification Scheme 2023. Collection method: clinical testing. Allele origin: germline.

Labcorp Genetics (formerly Invitae), Labcorp
Classification: Uncertain significance for Neutral lipid storage myopathy. Last evaluated: 2022-08-23. Review status: criteria provided, single submitter. Criteria: Invitae Variant Classification Sherloc (09022015). Collection method: clinical testing. Allele origin: germline.
Comment: This sequence change replaces proline, which is neutral and non-polar, with glutamine, which is neutral and polar, at codon 394 of the PNPLA2 protein (p.Pro394Gln). This variant is present in population databases (rs373114735, gnomAD 0.02%). This variant has not been reported in the literature in individuals affected with PNPLA2-related conditions. ClinVar contains an entry for this variant (Variation ID: 306306). Algorithms developed to predict the effect of missense changes on protein structure and function (SIFT, PolyPhen-2, Align-GVGD) all suggest that this variant is likely to be tolerated. In summary, the available evidence is currently insufficient to determine the role of this variant in disease. Therefore, it has been classified as a Variant of Uncertain Significance.

Illumina Laboratory Services, Illumina
Classification: Uncertain significance for Neutral lipid storage myopathy. Last evaluated: 2018-01-13. Review status: criteria provided, single submitter. Criteria: ICSL Variant Classification Criteria 13 December 2019. Collection method: clinical testing. Allele origin: germline.

NM_020376.4(PNPLA2):c.1181C>A (p.Pro394Gln)

Gene: PNPLA2 (patatin like domain 2, triacylglycerol lipase; plus strand). Cytogenetic location: 11p15.5.
Variant type: single nucleotide variant.
Coding change: c.1181C>A on transcript NM_020376.4 (MANE Select); coding-DNA position 1181, C replaced by A.
Protein change: p.Pro394Gln; replaces proline 394 with glutamine.
Molecular consequence: missense variant.
Genome position (GRCh38, 1-based): chr11:824,528, C>A. VCF-style: chr11-824528-C-A. GRCh37 (hg19) VCF-style: chr11-824528-C-A.
Other names: p.Pro394Gln; short protein forms P394Q.
Identifiers: ClinVar variation 306306 (VCV000306306.18), dbSNP rs373114735, ClinGen allele CA5791331.